The following is an entry in ClinVar:

ClinVar aggregate classification (germline): Pathogenic (1 of 4 stars; one submission).

Conditions:
Early-infantile DEE. Also called: Early infantile epileptic encephalopathy; Early infantile epileptic encephalopathy with suppression bursts; Ohtahara syndrome. Identifiers: Orphanet 1934, MedGen C0393706, MONDO:0800491.

Submission:

Labcorp Genetics (formerly Invitae), Labcorp
Classification: Pathogenic for Early-infantile DEE. Last evaluated: 2021-04-15. Review status: criteria provided, single submitter. Criteria: Invitae Variant Classification Sherloc (09022015). Collection method: clinical testing. Allele origin: germline.
Comment: This variant disrupts the p.Ala1724 amino acid residue in SCN1A. Other variant(s) that disrupt this residue have been observed in individuals with SCN1A-related conditions (PMID: 28012175, 30185235), which suggests that this may be a clinically significant amino acid residue. This sequence change replaces alanine with valine at codon 1724 of the SCN1A protein (p.Ala1724Val). The alanine residue is highly conserved and there is a small physicochemical difference between alanine and valine. This variant is not present in population databases (ExAC no frequency). This variant has been observed in individual(s) with SCN1A-related conditions (PMID: 31302675, 31273778). In at least one individual the variant was observed to be de novo. ClinVar contains an entry for this variant (Variation ID: 530420). Algorithms developed to predict the effect of missense changes on protein structure and function are either unavailable or do not agree on the potential impact of this missense change (SIFT: "Deleterious"; PolyPhen-2: "Probably Damaging"; Align-GVGD: "Class C15"). For these reasons, this variant has been classified as Pathogenic.

Literature cited by the submitters: PubMed 28012175; PubMed 30185235; PubMed 31302675; PubMed 31273778.

NM_001165963.4(SCN1A):c.5171C>T (p.Ala1724Val)

Genes: SCN1A (sodium voltage-gated channel alpha subunit 1; minus strand), LOC102724058 (uncharacterized LOC102724058; plus strand). Cytogenetic location: 2q24.3.
Variant type: single nucleotide variant.
Coding change: c.5171C>T on transcript NM_001165963.4 (MANE Select); coding-DNA position 5171, C replaced by T.
Protein change: p.Ala1724Val; replaces alanine 1724 with valine.
Molecular consequence: missense variant. On other transcripts: non-coding transcript variant (1).
Genome position (GRCh38, 1-based): chr2:165,992,104, G>A on the plus strand (C>T on the coding strand, the complement: SCN1A is on the minus strand). VCF-style: chr2-165992104-G-A. GRCh37 (hg19) VCF-style: chr2-166848614-G-A.
Other names: c.5087C>T, p.Ala1696Val (NM_001165964.3, NM_001353957.2, NM_001353958.2); c.5171C>T, p.Ala1724Val (NM_001202435.3, NM_001353948.2); c.5138C>T, p.Ala1713Val (NM_001353949.2, NM_001353950.2, NM_001353951.2 and 2 more transcripts); c.5135C>T, p.Ala1712Val (NM_001353954.2, NM_001353955.2); c.5084C>T, p.Ala1695Val (NM_001353960.2); c.2729C>T, p.Ala910Val (NM_001353961.2); short protein forms A1713V, A1724V, A1695V, A1696V, A1712V, A910V.
Identifiers: ClinVar variation 530420 (VCV000530420.10), dbSNP rs1553520319, ClinGen allele CA349068800.